The following is an entry in ClinVar:

ClinVar aggregate classification (germline): Benign. Review status: criteria provided, multiple submitters, no conflicts (2 of 4 stars). 3 submissions from 3 submitters: Benign (3). Last evaluated 2023-03-28.

Conditions:
Galactosylceramide beta-galactosidase deficiency. Also called: GALACTOCEREBROSIDASE DEFICIENCY; GALC DEFICIENCY; GLOBOID CELL LEUKOENCEPHALOPATHY; Krabbe Disease; Leukodystrophy, Globoid Cell. Identifiers: Orphanet 487, MedGen C0023521, MONDO:0009499, OMIM 245200.

Allele frequency attached by ClinVar (database versions not stated): 1000 Genomes Project 30x 0.45269; gnomAD exomes 0.46511 and 0.41945; TOPMed 0.48881; gnomAD 0.49277 and 0.49978; ExAC 0.43628; 1000 Genomes Project 0.44748.
gnomAD v4.1: 716,382 of 1,532,502 alleles (47%); highest among the groups gnomAD compares: African/African-American, 61%; 171,297 homozygotes.

Submissions (3):

Blueprint Genetics
Classification: Benign. Last evaluated: 2023-03-28. Review status: criteria provided, single submitter. Criteria: ACMG Guidelines, 2015. Collection method: clinical testing. Allele origin: germline.

Illumina Laboratory Services, Illumina
Classification: Benign for Galactosylceramide beta-galactosidase deficiency. Last evaluated: 2018-01-12. Review status: criteria provided, single submitter. Criteria: ICSL Variant Classification Criteria 13 December 2019. Collection method: clinical testing. Allele origin: germline.
Comment: This variant was observed in the ICSL laboratory as part of a predisposition screen in an ostensibly healthy population. It had not been previously curated by ICSL or reported in the Human Gene Mutation Database (HGMD: prior to June 1st, 2018), and was therefore a candidate for classification through an automated scoring system. Utilizing variant allele frequency, disease prevalence and penetrance estimates, and inheritance mode, an automated score was calculated to assess if this variant is too frequent to cause the disease. Based on the score and internal cut-off values, a variant classified as benign is not then subjected to further curation. The score for this variant resulted in a classification of benign for this disease.

Breakthrough Genomics
Classification: Benign. Review status: criteria provided, single submitter. Criteria: ACMG Guidelines, 2015. Collection method: not provided. Allele origin: germline. Inheritance: Autosomal recessive inheritance. Affected: yes.

NM_000153.4(GALC):c.*723G>A

Gene: GALC (galactosylceramidase; minus strand). Cytogenetic location: 14q31.3.
Variant type: single nucleotide variant.
Coding change: c.*723G>A on transcript NM_000153.4 (MANE Select); 723 bases downstream of the stop codon, G replaced by A.
Molecular consequence: 3 prime UTR variant.
Genome position (GRCh38, 1-based): chr14:87,934,009, C>T on the plus strand (G>A on the coding strand, the complement: GALC is on the minus strand). VCF-style: chr14-87934009-C-T. GRCh37 (hg19) VCF-style: chr14-88400353-C-T.
Other names: c.*723G>A (NM_001201401.2, NM_001201402.2).
Identifiers: ClinVar variation 314736 (VCV000314736.7), dbSNP rs412915, ClinGen allele CA7296809.